The following is an entry in ClinVar:

ClinVar aggregate classification (germline): Uncertain significance (1 of 4 stars; one submission).

Conditions:
Epidermolysis bullosa simplex 5B, with muscular dystrophy (EBS5B). Also called: Epidermolysis bullosa simplex with muscular dystrophy; EPIDERMOLYSIS BULLOSA SIMPLEX AND LIMB-GIRDLE MUSCULAR DYSTROPHY. Identifiers: Orphanet 257, MedGen C2931072, MONDO:0009181, OMIM 226670.
Epidermolysis bullosa simplex, Ogna type (EBS5A). Also called: Pidermolysis bullosa simplex 5A, Ogna type; EPIDERMOLYSIS BULLOSA SIMPLEX 5A, OGNA TYPE. Identifiers: Orphanet 79401, MedGen C0432317, MONDO:0007555, OMIM 131950.
Epidermolysis bullosa simplex 5C, with pyloric atresia (EBS5C). Also called: PLEC-Related Epidermolysis Bullosa with Pyloric Atresia; Epidermolysis bullosa simplex with pyloric atresia; PLEC1-Related Epidermolysis Bullosa with Pyloric Atresia. Identifiers: Orphanet 158684, MedGen C2677349, MONDO:0012807, OMIM 612138.
Autosomal recessive limb-girdle muscular dystrophy type 2Q (LGMDR17). Also called: MUSCULAR DYSTROPHY, LIMB-GIRDLE, AUTOSOMAL RECESSIVE 17. Identifiers: Orphanet 254361, MedGen C3150989, MONDO:0013390, OMIM 613723.
Epidermolysis bullosa simplex with nail dystrophy (EBS5D). Identifiers: MedGen C4225309, MONDO:0014661, OMIM 616487.

Allele frequency attached by ClinVar (database versions not stated): gnomAD exomes below 0.00001; ExAC 0.00001.
gnomAD v4.1: 2 of 1,584,828 alleles (0.00013%); highest among the groups gnomAD compares: Admixed American, 0.0034%; no homozygotes.

Submissions (2):

Labcorp Genetics (formerly Invitae), Labcorp
Classification: Uncertain significance for Autosomal recessive limb-girdle muscular dystrophy type 2Q; Epidermolysis bullosa simplex, Ogna type; Epidermolysis bullosa simplex with nail dystrophy; Epidermolysis bullosa simplex 5C, with pyloric atresia; Epidermolysis bullosa simplex 5B, with muscular dystrophy. Last evaluated: 2022-07-12. Review status: criteria provided, single submitter. Criteria: Invitae Variant Classification Sherloc (09022015). Collection method: clinical testing. Allele origin: germline.
Comment: In summary, the available evidence is currently insufficient to determine the role of this variant in disease. Therefore, it has been classified as a Variant of Uncertain Significance. Algorithms developed to predict the effect of missense changes on protein structure and function are either unavailable or do not agree on the potential impact of this missense change (SIFT: "Deleterious"; PolyPhen-2: "Not Available"; Align-GVGD: "Class C15"). This sequence change replaces glutamic acid, which is acidic and polar, with glycine, which is neutral and non-polar, at codon 1585 of the PLEC protein (p.Glu1585Gly). The frequency data for this variant in the population databases is considered unreliable, as metrics indicate poor data quality at this position in the gnomAD database. This variant has not been reported in the literature in individuals affected with PLEC-related conditions.

Dr. Peter K. Rogan Lab, Western University
No classification provided (evidence only). Condition: Thymoma. Review status: no classification provided. Collection method: in vitro. Allele origin: not applicable. Functional consequence: retained intron. Not counted in ClinVar's aggregate classification.

NM_201384.3(PLEC):c.4673A>G (p.Glu1558Gly)

Gene: PLEC (plectin; minus strand). Cytogenetic location: 8q24.3.
Variant type: single nucleotide variant.
Coding change: c.4673A>G on transcript NM_201384.3 (MANE Select); coding-DNA position 4673, A replaced by G.
Protein change: p.Glu1558Gly; replaces glutamic acid 1558 with glycine.
Molecular consequence: missense variant.
Genome position (GRCh38, 1-based): chr8:143,925,256, T>C on the plus strand (A>G on the coding strand, the complement: PLEC is on the minus strand). VCF-style: chr8-143925256-T-C. GRCh37 (hg19) VCF-style: chr8-144999424-T-C.
Other names: c.4754A>G, p.Glu1585Gly (NM_000445.5); c.4631A>G, p.Glu1544Gly (NM_201378.4); c.4607A>G, p.Glu1536Gly (NM_201379.3); c.5084A>G, p.Glu1695Gly (NM_201380.4); c.4577A>G, p.Glu1526Gly (NM_201381.3); c.4673A>G, p.Glu1558Gly (NM_201382.4); c.4685A>G, p.Glu1562Gly (NM_201383.3); short protein forms E1536G, E1544G, E1562G, E1558G, E1585G, E1526G, E1695G.
Identifiers: ClinVar variation 2039107 (VCV002039107.5), dbSNP rs782041093, ClinGen allele CA4926579.
Genomic context (GRCh38, chr8:143,925,256, plus strand): 5'-AGCTCCGCCTCTGCACTGCGCTGCGCCGTCTCCAGGGCCACCTGTACCTGCCGCGCTCGC[T>C]CCACCTCGGCCTGCCGCAGGCGCCGCTCCGCCTCCTCCGCCTGCAGCCGCAGCTCCTCCA-3'
Protein context (NP_958786.1, residues 1548-1568): AERRLRQAEV[Glu1558Gly]RARQVQVALE